The following is an entry in ClinVar:

ClinVar aggregate classification (germline): Uncertain significance (1 of 4 stars; one submission).

Conditions:
Congenital myotonia, autosomal dominant form (THD). Also called: THOMSEN DISEASE; Myotonia congenita autosomal dominant. Identifiers: Orphanet 614, MedGen C2936781, MONDO:0008055, OMIM 160800.
Congenital myotonia, autosomal recessive form. Also called: BECKER DISEASE; Becker Generalized Myotonia; myotonia congenita, autosomal recessive. Identifiers: Orphanet 614, MedGen C0751360, MONDO:0009715, OMIM 255700.

Submission:

Labcorp Genetics (formerly Invitae), Labcorp
Classification: Uncertain significance for Congenital myotonia, autosomal recessive form; Congenital myotonia, autosomal dominant form. Last evaluated: 2025-06-10. Review status: criteria provided, single submitter. Criteria: Invitae Variant Classification Sherloc (09022015). Collection method: clinical testing. Allele origin: germline.
Comment: This sequence change replaces asparagine, which is neutral and polar, with histidine, which is basic and polar, at codon 55 of the CLCN1 protein (p.Asn55His). This variant is present in population databases (rs766032710, gnomAD 0.02%). This variant has not been reported in the literature in individuals affected with CLCN1-related conditions. Invitae Evidence Modeling of protein sequence and biophysical properties (such as structural, functional, and spatial information, amino acid conservation, physicochemical variation, residue mobility, and thermodynamic stability) has been performed for this missense variant. However, the output from this modeling did not meet the statistical confidence thresholds required to predict the impact of this variant on CLCN1 protein function. In summary, the available evidence is currently insufficient to determine the role of this variant in disease. Therefore, it has been classified as a Variant of Uncertain Significance.

NM_000083.3(CLCN1):c.163A>C (p.Asn55His)

Gene: CLCN1 (chloride voltage-gated channel 1; plus strand). Cytogenetic location: 7q34.
Variant type: single nucleotide variant.
Coding change: c.163A>C on transcript NM_000083.3 (MANE Select); coding-DNA position 163, A replaced by C.
Protein change: p.Asn55His; replaces asparagine 55 with histidine.
Molecular consequence: missense variant. On other transcripts: non-coding transcript variant (1).
Genome position (GRCh38, 1-based): chr7:143,316,375, A>C. VCF-style: chr7-143316375-A-C. GRCh37 (hg19) VCF-style: chr7-143013468-A-C.
Other names: short protein forms N55H.
Identifiers: ClinVar variation 4784912 (VCV004784912.1).